The following is an entry in ClinVar:

NM_007078.3(LDB3):c.145G>C (p.Val49Leu)

Gene: LDB3 (LIM domain binding 3; plus strand). Cytogenetic location: 10q23.2.
Variant type: single nucleotide variant.
Coding change: c.145G>C on transcript NM_007078.3 (MANE Select); coding-DNA position 145, G replaced by C.
Protein change: p.Val49Leu; replaces valine 49 with leucine.
Molecular consequence: missense variant.
Genome position (GRCh38, 1-based): chr10:86,679,418, G>C. VCF-style: chr10-86679418-G-C. GRCh37 (hg19) VCF-style: chr10-88439175-G-C.
Other names: c.145G>C, p.Val49Leu (NM_001080116.1, NM_001080114.2, NM_001080115.2 and 8 more transcripts); c.145G>C (NM_007078.2, NM_001080114.1); short protein forms V49L.
Identifiers: ClinVar variation 864365 (VCV000864365.20), dbSNP rs200645175, ClinGen allele CA5584602.
Genomic context (GRCh38, chr10:86,679,418, plus strand): 5'-TCCAATCAGATCACACCAGGCAGCAAGGCAGCCCAGTCCCAGCTCAGCCAGGGTGACCTC[G>C]TGGTGGCCATTGACGGCGTCAACACAGACACCATGACCCACCTGGAAGCCCAGAACAAGA-3'
Protein context (NP_009009.1, residues 39-59): AQSQLSQGDL[Val49Leu]VAIDGVNTDT

ClinVar aggregate classification (germline): Uncertain significance. Review status: criteria provided, multiple submitters, no conflicts (2 of 4 stars). 7 submissions from 7 submitters: Uncertain significance (6). 1 of the submissions does not count toward it. Last evaluated 2025-12-16.

Conditions:
Cardiovascular phenotype. Identifiers: MedGen CN230736.
LDB3-related disorder. Also called: LDB3-related condition.
Dilated cardiomyopathy 1C (CMD1C). Also called: CARDIOMYOPATHY, DILATED, 1C, WITH OR WITHOUT LEFT VENTRICULAR NONCOMPACTION; Cardiomyopathy, dilated, 1C, with or without LVNC. Identifiers: Orphanet 154, Orphanet 54260, MedGen C1832244, MONDO:0011094, OMIM 601493.
Myofibrillar myopathy 4. Also called: Zaspopathy (type). Identifiers: Orphanet 98912, MedGen C4721886, MONDO:0012277, OMIM 609452.

Allele frequency attached by ClinVar (database versions not stated): 1000 Genomes Project 30x 0.00016; TOPMed 0.00002; 1000 Genomes Project 0.00020.
gnomAD v4.1: 77 of 1,614,174 alleles (0.0048%); highest among the groups gnomAD compares: Non-Finnish European, 0.0064%; no homozygotes.

Submissions (7):

Women's Health and Genetics/Laboratory Corporation of America, LabCorp
Classification: Uncertain significance. Last evaluated: 2025-12-16. Review status: criteria provided, single submitter. Criteria: LabCorp Variant Classification Summary - May 2015. Collection method: clinical testing. Allele origin: germline.
Comment: Variant summary: LDB3 c.145G>C (p.Val49Leu) results in a conservative amino acid change in the encoded protein sequence. Algorithms developed to predict the effect of missense changes on protein structure and function are either unavailable or do not agree on the potential impact of this missense change. The variant allele was found at a frequency of 1.6e-05 in 251432 control chromosomes. The available data on variant occurrences in the general population are insufficient to allow any conclusion about variant significance. c.145G>C has been observed in at least one individual affected with dilated cardiomyopathy (example: Mazzarotto_2020). This report does not provide unequivocal conclusions about association of the variant with LDB3-related disorders. To our knowledge, no experimental evidence demonstrating an impact on protein function has been reported. The following publication has been ascertained in the context of this evaluation (PMID: 31983221). ClinVar contains an entry for this variant (Variation ID: 864365). Based on the evidence outlined above, the variant was classified as uncertain significance.

Ambry Genetics
Classification: Uncertain significance for Cardiovascular phenotype. Last evaluated: 2025-12-10. Review status: criteria provided, single submitter. Criteria: Ambry Variant Classification Scheme 2023. Collection method: clinical testing. Allele origin: germline.
Comment: The p.V49L variant (also known as c.145G>C), located in coding exon 2 of the LDB3 gene, results from a G to C substitution at nucleotide position 145. The valine at codon 49 is replaced by leucine, an amino acid with highly similar properties. This variant has been detected in an individual from a dilated cardiomyopathy cohort (Mazzarotto F et al. Circulation, 2020 Feb;141:387-398). This amino acid position is well conserved in available vertebrate species. In addition, this alteration is predicted to be tolerated by in silico analysis. Based on the available evidence, the clinical significance of this variant remains unclear.

Labcorp Genetics (formerly Invitae), Labcorp
Classification: Uncertain significance for Myofibrillar myopathy 4. Last evaluated: 2025-08-07. Review status: criteria provided, single submitter. Criteria: Invitae Variant Classification Sherloc (09022015). Collection method: clinical testing. Allele origin: germline.
Comment: This sequence change replaces valine, which is neutral and non-polar, with leucine, which is neutral and non-polar, at codon 49 of the LDB3 protein (p.Val49Leu). This variant is present in population databases (rs200645175, gnomAD 0.004%). This missense change has been observed in individual(s) with dilated cardiomyopathy (PMID: 31983221). ClinVar contains an entry for this variant (Variation ID: 864365). An algorithm developed to predict the effect of missense changes on protein structure and function (PolyPhen-2) suggests that this variant is likely to be disruptive. In summary, the available evidence is currently insufficient to determine the role of this variant in disease. Therefore, it has been classified as a Variant of Uncertain Significance.

Fulgent Genetics
Classification: Uncertain significance for Dilated cardiomyopathy 1C; Myofibrillar myopathy 4. Last evaluated: 2021-08-25. Review status: criteria provided, single submitter. Criteria: ACMG Guidelines, 2015. Collection method: clinical testing. Allele origin: unknown.

Blueprint Genetics
Classification: Uncertain significance. Last evaluated: 2019-12-13. Review status: criteria provided, single submitter. Criteria: ACMG Guidelines, 2015. Collection method: clinical testing. Allele origin: germline.

Revvity Omics, Revvity
Classification: Uncertain significance. Last evaluated: 2019-02-27. Review status: criteria provided, single submitter. Criteria: ACMG Guidelines, 2015. Collection method: clinical testing. Allele origin: germline.

PreventionGenetics, part of Exact Sciences
Classification: Uncertain significance for LDB3-related condition. Last evaluated: 2023-10-28. Review status: no assertion criteria provided. Collection method: clinical testing. Allele origin: germline. Not counted in ClinVar's aggregate classification.
Comment: The LDB3 c.145G>C variant is predicted to result in the amino acid substitution p.Val49Leu. This variant was reported in an individual with dilated cardiomyopathy (Table S3, Mazzarotto et al. 2020. PubMed ID: 31983221). This variant is reported in 0.0039% of alleles in individuals of European (Non-Finnish) descent in gnomAD. At this time, the clinical significance of this variant is uncertain due to the absence of conclusive functional and genetic evidence.

Literature cited by the submitters: PubMed 31983221 (cited by 3 submitters).